The following is an entry in ClinVar:

NM_003859.3(DPM1):c.274C>T (p.Arg92Ter)

Gene: DPM1 (dolichyl-phosphate mannosyltransferase subunit 1, catalytic; minus strand). Cytogenetic location: 20q13.13.
Variant type: single nucleotide variant.
Coding change: c.274C>T on transcript NM_003859.3 (MANE Select); coding-DNA position 274, C replaced by T.
Protein change: p.Arg92Ter; replaces arginine 92 with a stop codon.
Molecular consequence: nonsense. On other transcripts: non-coding transcript variant (1).
Genome position (GRCh38, 1-based): chr20:50,948,650, G>A on the plus strand (C>T on the coding strand, the complement: DPM1 is on the minus strand). VCF-style: chr20-50948650-G-A. GRCh37 (hg19) VCF-style: chr20-49565187-G-A.
Other names: c.274C>T, p.Arg92Ter (NM_001317034.1, NM_001317035.1, NM_001317036.1); short protein forms R92*.
Identifiers: ClinVar variation 1343000 (VCV001343000.2), dbSNP rs121908583, ClinGen allele CA408975884.

ClinVar aggregate classification (germline): Likely pathogenic (1 of 4 stars; one submission).

Submission:

GeneDx
Classification: Likely pathogenic. Last evaluated: 2022-03-07. Review status: criteria provided, single submitter. Criteria: GeneDx Variant Classification Process June 2021. Collection method: clinical testing. Allele origin: germline. Affected: yes.
Comment: Nonsense variant predicted to result in protein truncation or nonsense mediated decay in a gene for which loss-of-function is a known mechanism of disease; Not observed at significant frequency in large population cohorts (gnomAD); Has not been previously published as pathogenic or benign to our knowledge